The following is an entry in ClinVar:

ClinVar aggregate classification (germline): Uncertain significance (1 of 4 stars; one submission).

Conditions:
Leigh syndrome (NULS). Also called: Leigh's necrotizing encephalopathy; Leigh's disease; Leigh Syndrome (mtDNA deletion); Leigh Disease; Subacute necrotizing encephalopathy; Necrotizing encephalopathy infantile subacute of Leigh. Identifiers: Orphanet 506, MedGen C2931891, MONDO:0009723, OMIM 256000.

Submission:

Wong Mito Lab, Molecular and Human Genetics, Baylor College of Medicine
Classification: Uncertain significance for Leigh syndrome. Last evaluated: 2019-10-17. Review status: criteria provided, single submitter. Criteria: Modified ACMG Guidelines (Unpublished). Collection method: clinical testing. Allele origin: germline.
Comment: The NC_012920.1:m.9478T>G (YP_003024032.1:p.Val91Gly) variant in MTCO3 gene is interpretated to be a Uncertain Significance variant based on the modified ACMG guidelines (unpublished). This variant meets the following evidence codes: BP4

NC_012920.1(MT-CO3):m.9478T>G

Gene: MT-CO3 (mitochondrially encoded cytochrome c oxidase III; plus strand).
Variant type: single nucleotide variant.
Genome position: chrM-9478-T-G.
Identifiers: ClinVar variation 693171 (VCV000693171.1), dbSNP rs587776437, ClinGen allele CA414803031.